The following is an entry in ClinVar:

NM_000458.4(HNF1B):c.372G>T (p.Met124Ile)

Gene: HNF1B (HNF1 homeobox B; minus strand). Cytogenetic location: 17q12.
Variant type: single nucleotide variant.
Coding change: c.372G>T on transcript NM_000458.4 (MANE Select); coding-DNA position 372, G replaced by T.
Protein change: p.Met124Ile; replaces methionine 124 with isoleucine.
Molecular consequence: missense variant.
Genome position (GRCh38, 1-based): chr17:37,739,612, C>A on the plus strand (G>T on the coding strand, the complement: HNF1B is on the minus strand). VCF-style: chr17-37739612-C-A. GRCh37 (hg19) VCF-style: chr17-36099603-C-A.
Other names: c.372G>T, p.Met124Ile (NM_001165923.4, NM_001304286.2); short protein forms M124I.
Identifiers: ClinVar variation 635708 (VCV000635708.1), dbSNP rs2511829901, ClinGen allele CA398751698.

ClinVar aggregate classification (germline): Likely pathogenic (1 of 4 stars; one submission).

Conditions:
Renal cysts and diabetes syndrome (RCAD). Also called: Familial hypoplastic, glomerulocystic kidney; MATURITY-ONSET DIABETES OF THE YOUNG, TYPE 5. Identifiers: Orphanet 93111, MedGen C0431693, MONDO:0007669, OMIM 137920.

Submission:

Institute of Human Genetics, FAU Erlangen, Friedrich-Alexander-Universität Erlangen-Nürnberg
Classification: Likely pathogenic for Renal cysts and diabetes syndrome. Last evaluated: 2019-07-06. Review status: criteria provided, single submitter. Criteria: ACMG Guidelines, 2015. Collection method: literature only. Allele origin: germline. Affected: yes.
Comment: This variant and it's classification has been reported by Vasileiou et al. 2019; DOI:10.1101/576918. The variants has previously been reported in PMID:28420700 as "c.372G>T,p.Met124Ile" with clinical significance Likely pathogenic. It has been re-classified using InterVar and manual curation as Likely pathogenic based on PM1 PM2 PP3 PP5.

Literature cited by the submitters: PubMed 28420700; DOI 10.1101/576918.